The following is an entry in ClinVar:

ClinVar aggregate classification (germline): Likely pathogenic (1 of 4 stars; one submission).

Conditions:
Familial dysautonomia. Also called: HSAN III; FD. Identifiers: Orphanet 1764, MedGen C0013364, MONDO:0009131, OMIM 223900. Disease mechanism: loss of function.

Submission:

Women's Health and Genetics/Laboratory Corporation of America, LabCorp
Classification: Likely pathogenic for Familial dysautonomia. Last evaluated: 2022-09-28. Review status: criteria provided, single submitter. Criteria: LabCorp Variant Classification Summary - May 2015. Collection method: clinical testing. Allele origin: germline.
Comment: Variant summary: IKBKAP (aka. ELP1) c.740+1G>T is located in a canonical splice-site and is predicted to affect mRNA splicing resulting in a significantly altered protein due to either exon skipping, shortening, or inclusion of intronic material. Several computational tools predict a significant impact on normal splicing: four predict the variant abolishes a 5' splicing donor site. However, these predictions have yet to be confirmed by functional studies. The variant was absent in 251476 control chromosomes (gnomAD). To our knowledge, no occurrence of c.740+1G>T in individuals affected with Familial Dysautonomia and no experimental evidence demonstrating its impact on protein function have been reported. No clinical diagnostic laboratories have submitted clinical-significance assessments for this variant to ClinVar after 2014. Based on the evidence outlined above, the variant was classified as likely pathogenic.

NM_003640.5(ELP1):c.740+1G>T

Gene: ELP1 (elongator acetyltransferase complex subunit 1; minus strand). Cytogenetic location: 9q31.3.
Variant type: single nucleotide variant.
Coding change: c.740+1G>T on transcript NM_003640.5 (MANE Select); the canonical splice donor site of the intron after coding-DNA position 740, G replaced by T.
Molecular consequence: splice donor variant. On other transcripts: intron variant (1).
Genome position (GRCh38, 1-based): chr9:108,918,810, C>A on the plus strand (G>T on the coding strand, the complement: ELP1 is on the minus strand). VCF-style: chr9-108918810-C-A. GRCh37 (hg19) VCF-style: chr9-111681090-C-A.
Other names: c.398+1G>T (NM_001318360.2); c.-307-1140G>T (NM_001330749.2).
Identifiers: ClinVar variation 1722388 (VCV001722388.1), dbSNP rs763719304, ClinGen allele CA374386631.